The following is an entry in ClinVar:

ClinVar aggregate classification (germline): Uncertain significance. Review status: criteria provided, multiple submitters, no conflicts (2 of 4 stars). 4 submissions from 4 submitters: Uncertain significance (2). 2 of the submissions do not count toward it. Last evaluated 2026-01-01.

Allele frequency attached by ClinVar (database versions not stated): gnomAD exomes below 0.00001 and 0.00002; TOPMed below 0.00001; gnomAD 0.00001 and 0.00003; ExAC 0.00002; ESP Exome Variant Server 0.00008.
gnomAD v4.1: 9 of 1,614,004 alleles (0.00056%); highest among the groups gnomAD compares: African/African-American, 0.004%; no homozygotes.

Submissions (4):

CeGaT Center for Human Genetics Tuebingen
Classification: Uncertain significance. Last evaluated: 2026-01-01. Review status: criteria provided, single submitter. Criteria: CeGaT Center For Human Genetics Tuebingen Variant Classification Criteria Version 2. Collection method: clinical testing. Allele origin: germline. Affected: yes. Observed: 1 variant allele.
Comment: TTN: PM2:Supporting

Eurofins Ntd Llc (ga)
Classification: Uncertain significance. Last evaluated: 2017-11-21. Review status: criteria provided, single submitter. Criteria: EGL Classification Definitions 2015. Collection method: clinical testing. Allele origin: germline. Observed: 1 variant allele, 1 heterozygote.

Clinical Genetics, Academic Medical Center
Classification: Uncertain significance. Review status: no assertion criteria provided. Collection method: clinical testing. Allele origin: germline. Affected: yes. Study: VKGL Data-share Consensus. Not counted in ClinVar's aggregate classification.

Genome Diagnostics Laboratory, Amsterdam University Medical Center
Classification: Uncertain significance. Review status: no assertion criteria provided. Collection method: clinical testing. Allele origin: germline. Affected: yes. Study: VKGL Data-share Consensus. Not counted in ClinVar's aggregate classification.

NM_001267550.2(TTN):c.9958G>A (p.Ala3320Thr)

Gene: TTN (titin; minus strand). Cytogenetic location: 2q31.2.
Variant type: single nucleotide variant.
Coding change: c.9958G>A on transcript NM_001267550.2 (MANE Select); coding-DNA position 9958, G replaced by A.
Protein change: p.Ala3320Thr; replaces alanine 3320 with threonine.
Molecular consequence: missense variant.
Genome position (GRCh38, 1-based): chr2:178,764,557, C>T on the plus strand (G>A on the coding strand, the complement: TTN is on the minus strand). VCF-style: chr2-178764557-C-T. GRCh37 (hg19) VCF-style: chr2-179629284-C-T.
Other names: c.9958G>A, p.Ala3320Thr (NM_001256850.1, NM_133378.4, NM_133379.5); c.9820G>A, p.Ala3274Thr (NM_003319.4, NM_133432.3, NM_133437.4); short protein forms A3320T, A3274T.
Identifiers: ClinVar variation 595106 (VCV000595106.12), dbSNP rs144100066, ClinGen allele CA2004221.